The following is an entry in ClinVar:

NM_001365999.1(SZT2):c.8500-4C>T

Gene: SZT2 (SZT2 subunit of KICSTOR complex; plus strand). Cytogenetic location: 1p34.2.
Variant type: single nucleotide variant.
Coding change: c.8500-4C>T on transcript NM_001365999.1 (MANE Select); 4 bases into the intron before coding-DNA position 8500, C replaced by T.
Molecular consequence: intron variant.
Genome position (GRCh38, 1-based): chr1:43,443,348, C>T. VCF-style: chr1-43443348-C-T. GRCh37 (hg19) VCF-style: chr1-43909019-C-T.
Other names: c.8329-4C>T (NM_015284.4).
Identifiers: ClinVar variation 1155872 (VCV001155872.11), dbSNP rs1457354824, ClinGen allele CA1165618982.

ClinVar aggregate classification (germline): Conflicting classifications of pathogenicity. Review status: criteria provided, conflicting classifications (1 of 4 stars). 2 submissions from 2 submitters: Uncertain significance (1); Likely benign (1). Last evaluated 2020-10-29.

Conditions:
Inborn genetic diseases. Identifiers: MedGen C0950123, MeSH D030342.

gnomAD v4.1: 4 of 1,614,188 alleles (0.00025%); highest among the groups gnomAD compares: Non-Finnish European, 0.00034%; no homozygotes.

Submissions (2):

Labcorp Genetics (formerly Invitae), Labcorp
Classification: Likely benign. Last evaluated: 2020-10-29. Review status: criteria provided, single submitter. Criteria: Invitae Variant Classification Sherloc (09022015). Collection method: clinical testing. Allele origin: germline.

Ambry Genetics
Classification: Uncertain significance for Inborn genetic diseases. Last evaluated: 2019-05-29. Review status: criteria provided, single submitter. Criteria: Ambry Variant Classification Scheme 2023. Collection method: clinical testing. Allele origin: germline.
Comment: The c.8329-4C>T intronic variant results from a C to T substitution 4 nucleotides upstream from coding exon 60 in the SZT2 gene. This nucleotide position is not well conserved in available vertebrate species. Using two different splice site prediction tools, this alteration is predicted by ESEfinder to weaken the efficiency of the native splice acceptor site, but is not predicted to have a deleterious effect on this splice acceptor/donor site by BDGP; however, direct evidence is unavailable. Since supporting evidence is limited at this time, the clinical significance of this alteration remains unclear.